The following is an entry in ClinVar:

ClinVar aggregate classification (germline): Conflicting classifications of pathogenicity. Review status: criteria provided, conflicting classifications (1 of 4 stars). 2 submissions from 2 submitters: Uncertain significance (1); Likely benign (1). Last evaluated 2023-04-05.

Conditions:
Inborn genetic diseases. Identifiers: MedGen C0950123, MeSH D030342.

Allele frequency attached by ClinVar (database versions not stated): gnomAD 0.00001.
gnomAD v4.1: 17 of 1,613,842 alleles (0.0011%); highest among the groups gnomAD compares: East Asian, 0.0067%; no homozygotes.

Submissions (2):

Ambry Genetics
Classification: Likely benign for Inborn genetic diseases. Last evaluated: 2023-04-05. Review status: criteria provided, single submitter. Criteria: Ambry Variant Classification Scheme 2023. Collection method: clinical testing. Allele origin: germline.

Labcorp Genetics (formerly Invitae), Labcorp
Classification: Uncertain significance. Last evaluated: 2022-03-23. Review status: criteria provided, single submitter. Criteria: Invitae Variant Classification Sherloc (09022015). Collection method: clinical testing. Allele origin: germline.
Comment: This sequence change replaces valine, which is neutral and non-polar, with isoleucine, which is neutral and non-polar, at codon 375 of the C8B protein (p.Val375Ile). This variant is present in population databases (rs774792617, gnomAD 0.02%). This variant has not been reported in the literature in individuals affected with C8B-related conditions. Algorithms developed to predict the effect of missense changes on protein structure and function output the following: SIFT: "Tolerated"; PolyPhen-2: "Benign"; Align-GVGD: "Class C0". The isoleucine amino acid residue is found in multiple mammalian species, which suggests that this missense change does not adversely affect protein function. In summary, the available evidence is currently insufficient to determine the role of this variant in disease. Therefore, it has been classified as a Variant of Uncertain Significance.

NM_000066.4(C8B):c.1123G>A (p.Val375Ile)

Gene: C8B (complement C8 beta chain; minus strand). Cytogenetic location: 1p32.2.
Variant type: single nucleotide variant.
Coding change: c.1123G>A on transcript NM_000066.4 (MANE Select); coding-DNA position 1123, G replaced by A.
Protein change: p.Val375Ile; replaces valine 375 with isoleucine.
Molecular consequence: missense variant.
Genome position (GRCh38, 1-based): chr1:56,943,807, C>T on the plus strand (G>A on the coding strand, the complement: C8B is on the minus strand). VCF-style: chr1-56943807-C-T. GRCh37 (hg19) VCF-style: chr1-57409480-C-T.
Other names: c.967G>A, p.Val323Ile (NM_001278543.2); c.937G>A, p.Val313Ile (NM_001278544.2); c.1123G>A (NM_000066.2); short protein forms V323I, V313I, V375I.
Identifiers: ClinVar variation 1504871 (VCV001504871.9), dbSNP rs774792617, ClinGen allele CA875739.